The following is an entry in ClinVar:

NM_000051.4(ATM):c.2969T>C (p.Ile990Thr)

Gene: ATM (ATM serine/threonine kinase; plus strand). Cytogenetic location: 11q22.3.
Variant type: single nucleotide variant.
Coding change: c.2969T>C on transcript NM_000051.4 (MANE Select); coding-DNA position 2969, T replaced by C.
Protein change: p.Ile990Thr; replaces isoleucine 990 with threonine.
Molecular consequence: missense variant.
Genome position (GRCh38, 1-based): chr11:108,271,298, T>C. VCF-style: chr11-108271298-T-C. GRCh37 (hg19) VCF-style: chr11-108142025-T-C.
Other names: c.2969T>C, p.Ile990Thr (NM_001351834.2); short protein forms I990T.
Identifiers: ClinVar variation 2568194 (VCV002568194.4), dbSNP rs761333794, ClinGen allele CA6265167.

ClinVar aggregate classification (germline): Uncertain significance. Review status: criteria provided, multiple submitters, no conflicts (2 of 4 stars). 2 submissions from 2 submitters: Uncertain significance (2). Last evaluated 2025-04-02.

Conditions:
Hereditary cancer-predisposing syndrome. Also called: Neoplastic Syndromes, Hereditary; Hereditary Cancer Syndrome; Tumor predisposition; Hereditary neoplastic syndrome. Identifiers: Orphanet 140162, MedGen C0027672, MeSH D009386, MONDO:0015356.
Ataxia-telangiectasia syndrome (AT). Also called: LOUIS-BAR SYNDROME; ATAXIA-TELANGIECTASIA, COMPLEMENTATION GROUP A; Ataxia-telangiectasia, complementation group D; AT, COMPLEMENTATION GROUP C; Ataxia-telangiectasia, complementation group E; Ataxia-telangiectasia. Identifiers: Orphanet 100, MedGen C0004135, MONDO:0008840, OMIM 208900.

Allele frequency attached by ClinVar (database versions not stated): ExAC 0.00001; gnomAD 0.00001.
gnomAD v4.1: 1 of 1,613,942 alleles (0.000062%); highest among the groups gnomAD compares: South Asian, 0.0011%; no homozygotes.

Submissions (2):

Labcorp Genetics (formerly Invitae), Labcorp
Classification: Uncertain significance for Ataxia-telangiectasia syndrome. Last evaluated: 2025-04-02. Review status: criteria provided, single submitter. Criteria: Invitae Variant Classification Sherloc (09022015). Collection method: clinical testing. Allele origin: germline.
Comment: This sequence change replaces isoleucine, which is neutral and non-polar, with threonine, which is neutral and polar, at codon 990 of the ATM protein (p.Ile990Thr). This variant is present in population databases (rs761333794, gnomAD 0.006%). This variant has not been reported in the literature in individuals affected with ATM-related conditions. ClinVar contains an entry for this variant (Variation ID: 2568194). Invitae Evidence Modeling of protein sequence and biophysical properties (such as structural, functional, and spatial information, amino acid conservation, physicochemical variation, residue mobility, and thermodynamic stability) indicates that this missense variant is not expected to disrupt ATM protein function with a negative predictive value of 95%. In summary, the available evidence is currently insufficient to determine the role of this variant in disease. Therefore, it has been classified as a Variant of Uncertain Significance.

Ambry Genetics
Classification: Uncertain significance for Hereditary cancer-predisposing syndrome. Last evaluated: 2023-04-14. Review status: criteria provided, single submitter. Criteria: Ambry Variant Classification Scheme 2023. Collection method: clinical testing. Allele origin: germline.
Comment: The p.I990T variant (also known as c.2969T>C), located in coding exon 19 of the ATM gene, results from a T to C substitution at nucleotide position 2969. The isoleucine at codon 990 is replaced by threonine, an amino acid with similar properties. This amino acid position is conserved. In addition, the in silico prediction for this alteration is inconclusive. Since supporting evidence is limited at this time, the clinical significance of this alteration remains unclear.